The following is an entry in ClinVar:

ClinVar aggregate classification (germline): Pathogenic (1 of 4 stars; one submission).

Conditions:
Familial cylindromatosis. Also called: ANCELL-SPIEGLER CYLINDROMAS; Turban tumor syndrome. Identifiers: Orphanet 211, Orphanet 79493, MedGen C1851526, MONDO:0007565, OMIM 132700.

Submission:

Genomic Diagnostic Laboratory, Division of Genomic Diagnostics, Children's Hospital of Philadelphia
Classification: Pathogenic for Cylindromatosis, familial. Last evaluated: 2016-09-23. Review status: criteria provided, single submitter. Criteria: DGD Variant Analysis Guidelines. Collection method: clinical testing. Allele origin: germline. Affected: yes. Observed: 1 variant allele.
Comment: Clinical Testing

NM_001378743.1(CYLD):c.911dup (p.Ala305fs)

Gene: CYLD (CYLD lysine 63 deubiquitinase; plus strand). Cytogenetic location: 16q12.1.
Variant type: Duplication.
Coding change: c.911dup on transcript NM_001378743.1 (MANE Select); coding-DNA position 911, one base duplicated (C; older notation c.911dupC).
Protein change: p.Ala305fs; shifts the reading frame from alanine 305.
Molecular consequence: frameshift variant. On other transcripts: non-coding transcript variant (1).
Genome position (GRCh38, 1-based): chr16:50,754,422, C duplicated; the last of 3 consecutive C bases (chr16:50,754,420-50,754,422); duplicating any one gives the same sequence. VCF-style (leftmost placement, unchanged base first): chr16-50754419-T-TC. GRCh37 (hg19) VCF-style: chr16-50788330-T-TC.
Other names: c.911dup, p.Glu305fs (NM_001042355.2, NM_001042412.3, NM_001378744.1 and 9 more transcripts); c.245dup, p.Glu83fs (NM_001378754.1, NM_001378755.1); c.911dup, p.Ala305fs (NM_015247.3); c.911dupC (NM_015247.2); short protein forms A305fs, E305fs, E83fs.
Identifiers: ClinVar variation 267229 (VCV000267229.1), dbSNP rs886040869, ClinGen allele CA10590066.